The following is an entry in ClinVar:

ClinVar aggregate classification (germline): Pathogenic (1 of 4 stars; one submission).

Conditions:
Polycystic kidney disease, adult type (PKD1). Also called: Polycystic Kidney Disease 1, Autosomal Dominant; Polycystic kidney disease 1; Polycystic kidney disease 1, severe; Polycystic Kidney, Autosomal Dominant; POLYCYSTIC KIDNEY DISEASE 1 WITH OR WITHOUT POLYCYSTIC LIVER DISEASE; POLYCYSTIC KIDNEY DISEASE, ADULT, TYPE I. Identifiers: MedGen C3149841, MONDO:0008263, OMIM 173900.

Submission:

Victorian Clinical Genetics Services, Murdoch Childrens Research Institute
Classification: Pathogenic for Polycystic kidney disease, adult type. Last evaluated: 2019-02-08. Review status: criteria provided, single submitter. Criteria: ACMG Guidelines, 2015. Collection method: clinical testing. Allele origin: unknown. Affected: yes.
Comment: A heterozygous frameshift deletion variant, NM_001009944.2(PKD1):c.6137del, has been identified in exon 15 of 46 of the PKD1 gene. This deletion is predicted to create a frameshift starting at amino acid position 2046, introducing a stop codon 70 residues downstream (NP_001009944.2(PKD1):p.(Leu2046Argfs*70)). This variant is predicted to result in loss of protein function through nonsense-mediated decay, which is a reported mechanism of pathogenicity for this gene. The variant is absent in population databases (gnomAD, dbSNP, 1000G) and has not been previously reported in clinical cases. However, many upstream and downstream loss of function variants have been reported as pathogenic (ClinVar). Based on the information available at the time of curation, this variant has been classified as PATHOGENIC.

NM_001009944.3(PKD1):c.6137del (p.Leu2046fs)

Gene: PKD1 (polycystin 1, transient receptor potential channel interacting; minus strand). Cytogenetic location: 16p13.3.
Variant type: Deletion.
Coding change: c.6137del on transcript NM_001009944.3 (MANE Select); coding-DNA position 6137, one base deleted (T; older notation c.6137delT).
Protein change: p.Leu2046fs; shifts the reading frame from leucine 2046.
Molecular consequence: frameshift variant.
Genome position (GRCh38, 1-based): chr16:2,109,030, A deleted on the plus strand (T on the coding strand, the reverse complement: PKD1 is on the minus strand). VCF-style (leftmost placement, unchanged base first): chr16-2109029-CA-C. GRCh37 (hg19) VCF-style: chr16-2159030-CA-C.
Other names: c.6137del, p.Leu2046fs (NM_000296.4); short protein forms L2046fs.
Identifiers: ClinVar variation 975067 (VCV000975067.3), dbSNP rs2092433875, ClinGen allele CA1139664390.